The following is an entry in ClinVar:

NM_000395.3(CSF2RB):c.2536C>A (p.Pro846Thr)

Gene: CSF2RB (colony stimulating factor 2 receptor subunit beta; plus strand). Cytogenetic location: 22q12.3.
Variant type: single nucleotide variant.
Coding change: c.2536C>A on transcript NM_000395.3 (MANE Select); coding-DNA position 2536, C replaced by A.
Protein change: p.Pro846Thr; replaces proline 846 with threonine.
Molecular consequence: missense variant.
Genome position (GRCh38, 1-based): chr22:36,938,344, C>A. VCF-style: chr22-36938344-C-A. GRCh37 (hg19) VCF-style: chr22-37334386-C-A.
Other names: c.2554C>A, p.Pro852Thr (NM_001410827.1); short protein forms P846T, P852T.
Identifiers: ClinVar variation 1919070 (VCV001919070.5), dbSNP rs1186098513, ClinGen allele CA411411682.

ClinVar aggregate classification (germline): Uncertain significance (1 of 4 stars; one submission).

Allele frequency attached by ClinVar (database versions not stated): TOPMed below 0.00001; gnomAD 0.00001.
gnomAD v4.1: 3 of 1,614,094 alleles (0.00019%); highest among the groups gnomAD compares: African/African-American, 0.004%; no homozygotes.

Submission:

Labcorp Genetics (formerly Invitae), Labcorp
Classification: Uncertain significance. Last evaluated: 2022-04-13. Review status: criteria provided, single submitter. Criteria: Invitae Variant Classification Sherloc (09022015). Collection method: clinical testing. Allele origin: germline.
Comment: In summary, the available evidence is currently insufficient to determine the role of this variant in disease. Therefore, it has been classified as a Variant of Uncertain Significance. Algorithms developed to predict the effect of missense changes on protein structure and function are either unavailable or do not agree on the potential impact of this missense change (SIFT: "Tolerated"; PolyPhen-2: "Probably Damaging"; Align-GVGD: "Class C0"). This variant has not been reported in the literature in individuals affected with CSF2RB-related conditions. This variant is not present in population databases (gnomAD no frequency). This sequence change replaces proline, which is neutral and non-polar, with threonine, which is neutral and polar, at codon 846 of the CSF2RB protein (p.Pro846Thr).